The following is an entry in ClinVar:

NM_001368882.1(COL13A1):c.630G>A (p.Pro210=)

Gene: COL13A1 (collagen type XIII alpha 1 chain; plus strand). Cytogenetic location: 10q22.1.
Variant type: single nucleotide variant.
Coding change: c.630G>A on transcript NM_001368882.1 (MANE Select); coding-DNA position 630, G replaced by A.
Protein change: p.Pro210=; no amino-acid change (proline 210 retained).
Molecular consequence: synonymous variant.
Genome position (GRCh38, 1-based): chr10:69,894,578, G>A. VCF-style: chr10-69894578-G-A. GRCh37 (hg19) VCF-style: chr10-71654334-G-A.
Other names: c.603G>A, p.Pro201= (NM_001130103.2, NM_080800.4, NM_080801.4 and 1 more transcripts); c.630G>A, p.Pro210= (NM_001320951.2, NM_001368884.1); c.594G>A, p.Pro198= (NM_001368883.1, NM_001368885.1); c.30G>A, p.Pro10= (NM_001368886.1); c.540G>A, p.Pro180= (NM_001368895.1); c.489G>A, p.Pro163= (NM_001368896.1, NM_001368898.1, NM_080798.4); c.516G>A, p.Pro172= (NM_001368897.1, NM_080805.4).
Identifiers: ClinVar variation 1960477 (VCV001960477.2), dbSNP rs754867905, ClinGen allele CA5534315.

ClinVar aggregate classification (germline): Uncertain significance (1 of 4 stars; one submission).

Allele frequency attached by ClinVar (database versions not stated): gnomAD 0.00001; gnomAD exomes 0.00001; TOPMed 0.00001; ExAC 0.00002.
gnomAD v4.1: 13 of 1,613,874 alleles (0.00081%); highest among the groups gnomAD compares: Non-Finnish European, 0.001%; no homozygotes.

Submission:

Labcorp Genetics (formerly Invitae), Labcorp
Classification: Uncertain significance. Last evaluated: 2022-10-25. Review status: criteria provided, single submitter. Criteria: Invitae Variant Classification Sherloc (09022015). Collection method: clinical testing. Allele origin: germline.
Comment: This sequence change affects codon 201 of the COL13A1 mRNA. It is a 'silent' change, meaning that it does not change the encoded amino acid sequence of the COL13A1 protein. This variant also falls at the last nucleotide of exon 10, which is part of the consensus splice site for this exon. This variant is present in population databases (rs754867905, gnomAD 0.006%). This variant has not been reported in the literature in individuals affected with COL13A1-related conditions. Variants that disrupt the consensus splice site are a relatively common cause of aberrant splicing (PMID: 17576681, 9536098). Algorithms developed to predict the effect of sequence changes on RNA splicing suggest that this variant may disrupt the consensus splice site. In summary, the available evidence is currently insufficient to determine the role of this variant in disease. Therefore, it has been classified as a Variant of Uncertain Significance.

Literature cited by the submitters: PubMed 17576681; PubMed 9536098.